The following is an entry in ClinVar:

NM_001042492.3(NF1):c.5113A>C (p.Arg1705=)

Gene: NF1 (neurofibromin 1; plus strand). Cytogenetic location: 17q11.2.
Variant type: single nucleotide variant.
Coding change: c.5113A>C on transcript NM_001042492.3 (MANE Select); coding-DNA position 5113, A replaced by C.
Protein change: p.Arg1705=; no amino-acid change (arginine 1705 retained).
Molecular consequence: synonymous variant.
Genome position (GRCh38, 1-based): chr17:31,326,097, A>C. VCF-style: chr17-31326097-A-C. GRCh37 (hg19) VCF-style: chr17-29653115-A-C.
Other names: c.5050A>C, p.Arg1684= (NM_000267.4).
Identifiers: ClinVar variation 3237816 (VCV003237816.1), dbSNP rs2151538529.
Genomic context (GRCh38, chr17:31,326,097, plus strand): 5'-TGGGTCAGGGAGTACACCAAGTATCATGAGCGGCTGCTGACTGGCCTCAAAGGTAGCAAA[A>C]GGCTTGTTTTCATAGACTGTCCTGGGAAACTGGCTGAGCACATAGAGCATGAACAACAGA-3'
Protein context (NP_001035957.1, residues 1695-1715): RLLTGLKGSK[Arg1705=]LVFIDCPGKL

ClinVar aggregate classification (germline): Uncertain significance (1 of 4 stars; one submission).

Conditions:
Hereditary cancer-predisposing syndrome. Also called: Neoplastic Syndromes, Hereditary; Tumor predisposition; Hereditary neoplastic syndrome; Hereditary Cancer Syndrome. Identifiers: Orphanet 140162, MedGen C0027672, MeSH D009386, MONDO:0015356.
Cardiovascular phenotype. Identifiers: MedGen CN230736.

Allele frequency attached by ClinVar (database versions not stated): gnomAD exomes 0.00001.
gnomAD v4.1: 3 of 1,613,662 alleles (0.00019%); highest among the groups gnomAD compares: South Asian, 0.0033%; no homozygotes.

Submission:

Ambry Genetics
Classification: Uncertain significance for Cardiovascular phenotype; Hereditary cancer-predisposing syndrome. Last evaluated: 2023-10-12. Review status: criteria provided, single submitter. Criteria: Ambry Variant Classification Scheme 2023. Collection method: clinical testing. Allele origin: germline.
Comment: The c.5050A>C variant (also known as p.R1684R), located in coding exon 36 of the NF1 gene, results from an A to C substitution at nucleotide position 5050. This nucleotide substitution does not change the arginine at codon 1684. This nucleotide position is well conserved in available vertebrate species. In silico splice site analysis for this alteration is inconclusive and direct evidence is insufficient at this time (Ambry internal data). Since supporting evidence is limited at this time, the clinical significance of this alteration remains unclear.